The following is an entry in ClinVar:

NM_003638.3(ITGA8):c.2673C>T (p.Ser891=)

Gene: ITGA8 (integrin subunit alpha 8; minus strand). Cytogenetic location: 10p13.
Variant type: single nucleotide variant.
Coding change: c.2673C>T on transcript NM_003638.3 (MANE Select); coding-DNA position 2673, C replaced by T.
Protein change: p.Ser891=; no amino-acid change (serine 891 retained).
Molecular consequence: synonymous variant.
Genome position (GRCh38, 1-based): chr10:15,558,167, G>A on the plus strand (C>T on the coding strand, the complement: ITGA8 is on the minus strand). VCF-style: chr10-15558167-G-A. GRCh37 (hg19) VCF-style: chr10-15600166-G-A.
Other names: c.2628C>T, p.Ser876= (NM_001291494.2).
Identifiers: ClinVar variation 3031827 (VCV003031827.4), dbSNP rs142740699, ClinGen allele CA5419766.

ClinVar aggregate classification (germline): Likely benign. Review status: criteria provided, single submitter (1 of 4 stars). 2 submissions from 2 submitters: Likely benign (1). 1 of the submissions does not count toward it. Last evaluated 2025-03-25.

Conditions:
ITGA8-related disorder. Also called: ITGA8-related condition.

Allele frequency attached by ClinVar (database versions not stated): ExAC 0.00003; gnomAD 0.00006; ESP Exome Variant Server 0.00023.
gnomAD v4.1: 80 of 1,614,104 alleles (0.005%); highest among the groups gnomAD compares: Non-Finnish European, 0.006%; no homozygotes.

Submissions (2):

Labcorp Genetics (formerly Invitae), Labcorp
Classification: Likely benign. Last evaluated: 2025-03-25. Review status: criteria provided, single submitter. Criteria: Invitae Variant Classification Sherloc (09022015). Collection method: clinical testing. Allele origin: germline.

PreventionGenetics, part of Exact Sciences
Classification: Likely benign for ITGA8-related condition. Last evaluated: 2020-09-17. Review status: no assertion criteria provided. Collection method: clinical testing. Allele origin: germline. Not counted in ClinVar's aggregate classification.
Comment: This variant is classified as likely benign based on ACMG/AMP sequence variant interpretation guidelines (Richards et al. 2015 PMID: 25741868, with internal and published modifications).